The following is an entry in ClinVar:

NM_001099415.3(POM121C):c.681G>A (p.Ser227=)

Gene: POM121C (POM121 transmembrane nucleoporin C; minus strand). Cytogenetic location: 7q11.23.
Variant type: single nucleotide variant.
Coding change: c.681G>A on transcript NM_001099415.3 (MANE Select); coding-DNA position 681, G replaced by A.
Protein change: p.Ser227=; no amino-acid change (serine 227 retained).
Molecular consequence: synonymous variant.
Genome position (GRCh38, 1-based): chr7:75,425,161, C>T on the plus strand (G>A on the coding strand, the complement: POM121C is on the minus strand). VCF-style: chr7-75425161-C-T. GRCh37 (hg19) VCF-style: chr7-75054444-C-T.
Identifiers: ClinVar variation 2657612 (VCV002657612.24), dbSNP rs376008578, ClinGen allele CA4300761.

ClinVar aggregate classification (germline): Likely benign (1 of 4 stars; one submission).

Allele frequency attached by ClinVar (database versions not stated): ESP Exome Variant Server 0.00034; gnomAD exomes 0.00041; gnomAD 0.00056; 1000 Genomes Project 30x 0.00078; 1000 Genomes Project 0.00080; ExAC 0.00124; TOPMed 0.00152.
gnomAD v4.1: 734 of 1,492,066 alleles (0.049%); highest among the groups gnomAD compares: Middle Eastern, 0.38%; 3 homozygotes.

Submission:

CeGaT Center for Human Genetics Tuebingen
Classification: Likely benign. Last evaluated: 2022-10-01. Review status: criteria provided, single submitter. Criteria: CeGaT Center For Human Genetics Tuebingen Variant Classification Criteria Version 2. Collection method: clinical testing. Allele origin: germline. Affected: yes. Observed: 2 variant alleles.
Comment: POM121C: BP4, BP7